The following is an entry in ClinVar:

NM_001134673.4(NFIA):c.1387A>G (p.Thr463Ala)

Gene: NFIA (nuclear factor I A; plus strand). Cytogenetic location: 1p31.3.
Variant type: single nucleotide variant.
Coding change: c.1387A>G on transcript NM_001134673.4 (MANE Select); coding-DNA position 1387, A replaced by G.
Protein change: p.Thr463Ala; replaces threonine 463 with alanine.
Molecular consequence: missense variant.
Genome position (GRCh38, 1-based): chr1:61,406,694, A>G. VCF-style: chr1-61406694-A-G. GRCh37 (hg19) VCF-style: chr1-61872366-A-G.
Other names: c.1363A>G, p.Thr455Ala (NM_001145511.2); c.1522A>G, p.Thr508Ala (NM_001145512.2); c.1387A>G, p.Thr463Ala (NM_005595.5); short protein forms T508A, T455A, T463A.
Identifiers: ClinVar variation 3701561 (VCV003701561.2).

ClinVar aggregate classification (germline): Uncertain significance (1 of 4 stars; one submission).

gnomAD v4.1: 7 of 1,612,736 alleles (0.00043%); highest among the groups gnomAD compares: Non-Finnish European, 0.00051%; no homozygotes.

Submission:

Labcorp Genetics (formerly Invitae), Labcorp
Classification: Uncertain significance. Last evaluated: 2024-07-16. Review status: criteria provided, single submitter. Criteria: Invitae Variant Classification Sherloc (09022015). Collection method: clinical testing. Allele origin: germline.
Comment: This sequence change replaces threonine, which is neutral and polar, with alanine, which is neutral and non-polar, at codon 463 of the NFIA protein (p.Thr463Ala). This variant is not present in population databases (gnomAD no frequency). This variant has not been reported in the literature in individuals affected with NFIA-related conditions. An algorithm developed to predict the effect of missense changes on protein structure and function outputs the following: PolyPhen-2: "Benign". The alanine amino acid residue is found in multiple mammalian species, which suggests that this missense change does not adversely affect protein function. In summary, the available evidence is currently insufficient to determine the role of this variant in disease. Therefore, it has been classified as a Variant of Uncertain Significance.